The following is an entry in ClinVar:

NM_003356.4(UCP3):c.160C>T (p.Arg54Trp)

Gene: UCP3 (uncoupling protein 3; minus strand). Cytogenetic location: 11q13.4.
Variant type: single nucleotide variant.
Coding change: c.160C>T on transcript NM_003356.4 (MANE Select); coding-DNA position 160, C replaced by T.
Protein change: p.Arg54Trp; replaces arginine 54 with tryptophan.
Molecular consequence: missense variant.
Genome position (GRCh38, 1-based): chr11:74,006,346, G>A on the plus strand (C>T on the coding strand, the complement: UCP3 is on the minus strand). VCF-style: chr11-74006346-G-A. GRCh37 (hg19) VCF-style: chr11-73717391-G-A.
Other names: c.160C>T, p.Arg54Trp (NM_022803.3); short protein forms R54W.
Identifiers: ClinVar variation 2629053 (VCV002629053.4), dbSNP rs368049853, ClinGen allele CA6181610.

ClinVar aggregate classification (germline): Uncertain significance. Review status: criteria provided, multiple submitters, no conflicts (2 of 4 stars). 3 submissions from 3 submitters: Uncertain significance (2). 1 of the submissions does not count toward it. Last evaluated 2025-09-02.

Conditions:
UCP3-related disorder. Also called: UCP3-related condition.

Allele frequency attached by ClinVar (database versions not stated): gnomAD 0.00004; ExAC 0.00005.
gnomAD v4.1: 34 of 1,588,234 alleles (0.0021%); highest among the groups gnomAD compares: African/African-American, 0.02%; no homozygotes.

Submissions (3):

Labcorp Genetics (formerly Invitae), Labcorp
Classification: Uncertain significance. Last evaluated: 2025-09-02. Review status: criteria provided, single submitter. Criteria: Invitae Variant Classification Sherloc (09022015). Collection method: clinical testing. Allele origin: germline.
Comment: This sequence change replaces arginine, which is basic and polar, with tryptophan, which is neutral and slightly polar, at codon 54 of the UCP3 protein (p.Arg54Trp). This variant is present in population databases (rs368049853, gnomAD 0.007%). This variant has not been reported in the literature in individuals affected with UCP3-related conditions. ClinVar contains an entry for this variant (Variation ID: 2629053). An algorithm developed to predict the effect of missense changes on protein structure and function (PolyPhen-2) suggests that this variant is likely to be disruptive. In summary, the available evidence is currently insufficient to determine the role of this variant in disease. Therefore, it has been classified as a Variant of Uncertain Significance.

Ambry Genetics
Classification: Uncertain significance. Last evaluated: 2025-08-07. Review status: criteria provided, single submitter. Criteria: Ambry Variant Classification Scheme 2023. Collection method: clinical testing. Allele origin: germline.

PreventionGenetics, part of Exact Sciences
Classification: Uncertain significance for UCP3-related condition. Last evaluated: 2024-04-29. Review status: no assertion criteria provided. Collection method: clinical testing. Allele origin: germline. Not counted in ClinVar's aggregate classification.
Comment: The UCP3 c.160C>T variant is predicted to result in the amino acid substitution p.Arg54Trp. To our knowledge, this variant has not been reported in the literature. This variant is reported in 0.0070% of alleles in individuals of South Asian descent in gnomAD. At this time, the clinical significance of this variant is uncertain due to the absence of conclusive functional and genetic evidence.